The following is an entry in ClinVar:

NM_032590.5(KDM2B):c.1391C>T (p.Pro464Leu)

Gene: KDM2B (lysine demethylase 2B; minus strand). Cytogenetic location: 12q24.31.
Variant type: single nucleotide variant.
Coding change: c.1391C>T on transcript NM_032590.5 (MANE Select); coding-DNA position 1391, C replaced by T.
Protein change: p.Pro464Leu; replaces proline 464 with leucine.
Molecular consequence: missense variant.
Genome position (GRCh38, 1-based): chr12:121,509,823, G>A on the plus strand (C>T on the coding strand, the complement: KDM2B is on the minus strand). VCF-style: chr12-121509823-G-A. GRCh37 (hg19) VCF-style: chr12-121947626-G-A.
Other names: c.1298C>T, p.Pro433Leu (NM_001005366.2); short protein forms P433L, P464L.
Identifiers: ClinVar variation 3769783 (VCV003769783.2).

ClinVar aggregate classification (germline): Uncertain significance (1 of 4 stars; one submission).

Submission:

GeneDx
Classification: Uncertain significance. Last evaluated: 2025-09-18. Review status: criteria provided, single submitter. Criteria: GeneDx Variant Classification Process June 2021. Collection method: clinical testing. Allele origin: germline.
Comment: Not observed at significant frequency in large population cohorts (gnomAD); In silico analysis suggests that this missense variant does not alter protein structure/function; Has not been previously published as pathogenic or benign to our knowledge